The following is an entry in ClinVar:

ClinVar aggregate classification (germline): Uncertain significance. Review status: criteria provided, multiple submitters, no conflicts (2 of 4 stars). 2 submissions from 2 submitters: Uncertain significance (2). Last evaluated 2025-06-12.

Allele frequency attached by ClinVar (database versions not stated): TOPMed below 0.00001.
gnomAD v4.1: 2 of 1,614,122 alleles (0.00012%); highest among the groups gnomAD compares: Non-Finnish European, 0.00017%; no homozygotes.

Submissions (2):

Ambry Genetics
Classification: Uncertain significance. Last evaluated: 2025-06-12. Review status: criteria provided, single submitter. Criteria: Ambry Variant Classification Scheme 2023. Collection method: clinical testing. Allele origin: germline.

Labcorp Genetics (formerly Invitae), Labcorp
Classification: Uncertain significance. Last evaluated: 2022-06-02. Review status: criteria provided, single submitter. Criteria: Invitae Variant Classification Sherloc (09022015). Collection method: clinical testing. Allele origin: germline.
Comment: This sequence change replaces threonine, which is neutral and polar, with serine, which is neutral and polar, at codon 1086 of the TET2 protein (p.Thr1086Ser). This variant is not present in population databases (gnomAD no frequency). This variant has not been reported in the literature in individuals affected with TET2-related conditions. Algorithms developed to predict the effect of missense changes on protein structure and function (SIFT, PolyPhen-2, Align-GVGD) all suggest that this variant is likely to be tolerated. In summary, the available evidence is currently insufficient to determine the role of this variant in disease. Therefore, it has been classified as a Variant of Uncertain Significance.

NM_001127208.3(TET2):c.3256A>T (p.Thr1086Ser)

Genes: TET2 (tet methylcytosine dioxygenase 2; plus strand), TET2-AS1 (TET2 antisense RNA 1; minus strand). Cytogenetic location: 4q24.
Variant type: single nucleotide variant.
Coding change: c.3256A>T on transcript NM_001127208.3 (MANE Select); coding-DNA position 3256, A replaced by T.
Protein change: p.Thr1086Ser; replaces threonine 1086 with serine.
Molecular consequence: missense variant.
Genome position (GRCh38, 1-based): chr4:105,237,198, A>T. VCF-style: chr4-105237198-A-T. GRCh37 (hg19) VCF-style: chr4-106158355-A-T.
Other names: c.3256A>T, p.Thr1086Ser (NM_017628.4); short protein forms T1086S.
Identifiers: ClinVar variation 1930730 (VCV001930730.6), dbSNP rs1013733543, ClinGen allele CA357802747.